The following is an entry in ClinVar:

NM_014920.5(CILK1):c.1520C>T (p.Ser507Leu)

Gene: CILK1 (ciliogenesis associated kinase 1; minus strand). Cytogenetic location: 6p12.1.
Variant type: single nucleotide variant.
Coding change: c.1520C>T on transcript NM_014920.5 (MANE Select); coding-DNA position 1520, C replaced by T.
Protein change: p.Ser507Leu; replaces serine 507 with leucine.
Molecular consequence: missense variant. On other transcripts: non-coding transcript variant (1).
Genome position (GRCh38, 1-based): chr6:53,009,540, G>A on the plus strand (C>T on the coding strand, the complement: CILK1 is on the minus strand). VCF-style: chr6-53009540-G-A. GRCh37 (hg19) VCF-style: chr6-52874338-G-A.
Other names: c.1541C>T, p.Ser514Leu (NM_001375397.1); c.1520C>T, p.Ser507Leu (NM_001375398.1, NM_001375399.1, NM_001375400.1 and 3 more transcripts); c.1520C>T (NM_016513.4); short protein forms S507L, S514L.
Identifiers: ClinVar variation 1680538 (VCV001680538.9), dbSNP rs535382697, ClinGen allele CA3858522.

ClinVar aggregate classification (germline): Uncertain significance. Review status: criteria provided, multiple submitters, no conflicts (2 of 4 stars). 2 submissions from 2 submitters: Uncertain significance (2). Last evaluated 2025-06-08.

Allele frequency attached by ClinVar (database versions not stated): ExAC 0.00001; gnomAD 0.00001; 1000 Genomes Project 0.00020; 1000 Genomes Project 30x 0.00031.
gnomAD v4.1: 8 of 1,610,662 alleles (0.0005%); highest among the groups gnomAD compares: African/African-American, 0.0013%; no homozygotes.

Submissions (2):

Ambry Genetics
Classification: Uncertain significance. Last evaluated: 2025-06-08. Review status: criteria provided, single submitter. Criteria: Ambry Variant Classification Scheme 2023. Collection method: clinical testing. Allele origin: germline.

Labcorp Genetics (formerly Invitae), Labcorp
Classification: Uncertain significance. Last evaluated: 2021-07-02. Review status: criteria provided, single submitter. Criteria: Invitae Variant Classification Sherloc (09022015). Collection method: clinical testing. Allele origin: germline.
Comment: This variant has not been reported in the literature in individuals affected with ICK-related conditions. This sequence change replaces serine with leucine at codon 507 of the ICK protein (p.Ser507Leu). The serine residue is weakly conserved and there is a large physicochemical difference between serine and leucine. This variant is present in population databases (rs535382697, ExAC 0.01%). Algorithms developed to predict the effect of missense changes on protein structure and function output the following: SIFT: "Deleterious"; PolyPhen-2: "Benign"; Align-GVGD: "Class C0". The leucine amino acid residue is found in multiple mammalian species, which suggests that this missense change does not adversely affect protein function. In summary, the available evidence is currently insufficient to determine the role of this variant in disease. Therefore, it has been classified as a Variant of Uncertain Significance.